The following is an entry in ClinVar:

ClinVar aggregate classification (germline): Uncertain significance (1 of 4 stars; one submission).

Conditions:
Majeed syndrome (MJDS). Also called: LPIN2-Related Majeed Syndrome; CHRONIC RECURRENT MULTIFOCAL OSTEOMYELITIS 1, WITH CONGENITAL DYSERYTHROPOIETIC ANEMIA, WITH OR WITHOUT NEUTROPHILIC DERMATOSIS. Identifiers: Orphanet 77297, MedGen C1864997, MONDO:0012316, OMIM 609628.

Submission:

Labcorp Genetics (formerly Invitae), Labcorp
Classification: Uncertain significance for Majeed syndrome. Last evaluated: 2022-04-18. Review status: criteria provided, single submitter. Criteria: Invitae Variant Classification Sherloc (09022015). Collection method: clinical testing. Allele origin: germline.
Comment: This variant is not present in population databases (gnomAD no frequency). This sequence change replaces glycine, which is neutral and non-polar, with arginine, which is basic and polar, at codon 810 of the LPIN2 protein (p.Gly810Arg). This variant has not been reported in the literature in individuals affected with LPIN2-related conditions. In summary, the available evidence is currently insufficient to determine the role of this variant in disease. Therefore, it has been classified as a Variant of Uncertain Significance. Algorithms developed to predict the effect of missense changes on protein structure and function (SIFT, PolyPhen-2, Align-GVGD) all suggest that this variant is likely to be disruptive.

NM_001375808.2(LPIN2):c.2428G>A (p.Gly810Arg)

Gene: LPIN2 (lipin 2; minus strand). Cytogenetic location: 18p11.31.
Variant type: single nucleotide variant.
Coding change: c.2428G>A on transcript NM_001375808.2 (MANE Select); coding-DNA position 2428, G replaced by A.
Protein change: p.Gly810Arg; replaces glycine 810 with arginine.
Molecular consequence: missense variant.
Genome position (GRCh38, 1-based): chr18:2,921,547, C>T on the plus strand (G>A on the coding strand, the complement: LPIN2 is on the minus strand). VCF-style: chr18-2921547-C-T. GRCh37 (hg19) VCF-style: chr18-2921545-C-T.
Other names: c.2428G>A, p.Gly810Arg (NM_001375809.1, NM_014646.2); short protein forms G810R.
Identifiers: ClinVar variation 2127840 (VCV002127840.4), dbSNP rs2510240855, ClinGen allele CA401695578.
Genomic context (GRCh38, chr18:2,921,547, plus strand): 5'-TCTGAATTTCACCCACATCAGAACCCAGAGCCCAGGAGATACTCACATTTGGACGGTTTC[C>T]AAAGGCAGCATAGAAGGGCTGCTTAGACGGGGCAAACAGATTCTTGATATCATTTAGACA-3'
Protein context (NP_001362737.1, residues 800-820): PSKQPFYAAF[Gly810Arg]NRPNDVYAYT